The following is an entry in ClinVar:

ClinVar aggregate classification (germline): Uncertain significance. Review status: criteria provided, multiple submitters, no conflicts (2 of 4 stars). 2 submissions from 2 submitters: Uncertain significance (2). Last evaluated 2025-02-20.

Allele frequency attached by ClinVar (database versions not stated): gnomAD exomes below 0.00001 and 0.00001; ExAC 0.00002.
gnomAD v4.1: 4 of 1,614,178 alleles (0.00025%); highest among the groups gnomAD compares: Admixed American, 0.005%; no homozygotes.

Submissions (2):

Ambry Genetics
Classification: Uncertain significance. Last evaluated: 2025-02-20. Review status: criteria provided, single submitter. Criteria: Ambry Variant Classification Scheme 2023. Collection method: clinical testing. Allele origin: germline.
Comment: The p.I428S variant (also known as c.1283T>G), located in coding exon 9 of the RINT1 gene, results from a T to G substitution at nucleotide position 1283. The isoleucine at codon 428 is replaced by serine, an amino acid with dissimilar properties. This amino acid position is conserved. In addition, the in silico prediction for this alteration is inconclusive. Based on the available evidence, the clinical significance of this variant remains unclear.

Labcorp Genetics (formerly Invitae), Labcorp
Classification: Uncertain significance. Last evaluated: 2021-08-18. Review status: criteria provided, single submitter. Criteria: Invitae Variant Classification Sherloc (09022015). Collection method: clinical testing. Allele origin: germline.
Comment: In summary, the available evidence is currently insufficient to determine the role of this variant in disease. Therefore, it has been classified as a Variant of Uncertain Significance. Algorithms developed to predict the effect of sequence changes on RNA splicing suggest that this variant may create or strengthen a splice site. Algorithms developed to predict the effect of missense changes on protein structure and function are either unavailable or do not agree on the potential impact of this missense change (SIFT: "Deleterious"; PolyPhen-2: "Probably Damaging"; Align-GVGD: "Class C0"). This variant has not been reported in the literature in individuals affected with RINT1-related conditions. This variant is present in population databases (rs757717335, ExAC 0.009%). This sequence change replaces isoleucine with serine at codon 428 of the RINT1 protein (p.Ile428Ser). The isoleucine residue is highly conserved and there is a large physicochemical difference between isoleucine and serine.

NM_021930.6(RINT1):c.1283T>G (p.Ile428Ser)

Gene: RINT1 (RAD50 interactor 1; plus strand). Cytogenetic location: 7q22.3.
Variant type: single nucleotide variant.
Coding change: c.1283T>G on transcript NM_021930.6 (MANE Select); coding-DNA position 1283, T replaced by G.
Protein change: p.Ile428Ser; replaces isoleucine 428 with serine.
Molecular consequence: missense variant. On other transcripts: non-coding transcript variant (1).
Genome position (GRCh38, 1-based): chr7:105,550,436, T>G. VCF-style: chr7-105550436-T-G. GRCh37 (hg19) VCF-style: chr7-105190883-T-G.
Other names: c.1049T>G, p.Ile350Ser (NM_001346599.2); c.260T>G, p.Ile87Ser (NM_001346600.2, NM_001346603.2); c.359T>G, p.Ile120Ser (NM_001346601.2); c.1283T>G (NM_021930.4); short protein forms I120S, I428S, I350S, I87S.
Identifiers: ClinVar variation 1518636 (VCV001518636.7), dbSNP rs757717335, ClinGen allele CA4426634.